The following is an entry in ClinVar:

NM_033400.3(ZFHX2):c.6199C>T (p.Arg2067Cys)

Genes: THTPA (thiamine triphosphatase; plus strand), ZFHX2 (zinc finger homeobox 2; minus strand). Cytogenetic location: 14q11.2.
Variant type: single nucleotide variant.
Coding change: c.6199C>T on transcript NM_033400.3 (MANE Select); coding-DNA position 6199, C replaced by T.
Protein change: p.Arg2067Cys; replaces arginine 2067 with cysteine.
Molecular consequence: missense variant.
Genome position (GRCh38, 1-based): chr14:23,523,743, G>A on the plus strand (C>T on the coding strand, the complement: ZFHX2 is on the minus strand). VCF-style: chr14-23523743-G-A. GRCh37 (hg19) VCF-style: chr14-23992952-G-A.
Other names: short protein forms R2067C.
Identifiers: ClinVar variation 2520667 (VCV002520667.5), dbSNP rs757100021, ClinGen allele CA7116849.
Genomic context (GRCh38, chr14:23,523,743, plus strand): 5'-AAGCTTCATAGCAGGCTTTCATGATCTTCAGCTGCAGGCTGCTCATCTGGGTCCTGTAGC[G>A]CCGCTGCCCCATTCCATCTGGAACCCCAGTCCCACCTCCAGGTCCCCCACTGGTCCCTCC-3'
Protein context (NP_207646.2, residues 2057-2077): TGVPDGMGQR[Arg2067Cys]YRTQMSSLQL

ClinVar aggregate classification (germline): Uncertain significance. Review status: criteria provided, single submitter (1 of 4 stars). 2 submissions from 2 submitters: Uncertain significance (1). 1 of the submissions does not count toward it. Last evaluated 2025-11-26.

Conditions:
ZFHX2-related disorder. Also called: ZFHX2-related condition.

Allele frequency attached by ClinVar (database versions not stated): gnomAD exomes 0.00005; ExAC 0.00007; gnomAD 0.00001; TOPMed 0.00003.
gnomAD v4.1: 73 of 1,536,060 alleles (0.0048%); highest among the groups gnomAD compares: East Asian, 0.0073%; 1 homozygote.

Submissions (2):

Ambry Genetics
Classification: Uncertain significance. Last evaluated: 2025-11-26. Review status: criteria provided, single submitter. Criteria: Ambry Variant Classification Scheme 2023. Collection method: clinical testing. Allele origin: germline.

PreventionGenetics, part of Exact Sciences
Classification: Likely benign for ZFHX2-related condition. Last evaluated: 2020-07-14. Review status: no assertion criteria provided. Collection method: clinical testing. Allele origin: germline. Not counted in ClinVar's aggregate classification.
Comment: This variant is classified as likely benign based on ACMG/AMP sequence variant interpretation guidelines (Richards et al. 2015 PMID: 25741868, with internal and published modifications).